The following is an entry in ClinVar:

ClinVar aggregate classification (germline): Conflicting classifications of pathogenicity. Review status: criteria provided, conflicting classifications (1 of 4 stars). 3 submissions from 3 submitters: Likely pathogenic (1); Uncertain significance (1). 1 of the submissions does not count toward it. Last evaluated 2025-11-14.

Conditions:
GM1 gangliosidosis type 3. Also called: GANGLIOSIDOSIS, GENERALIZED GM1, ADULT TYPE; GANGLIOSIDOSIS, GENERALIZED GM1, CHRONIC TYPE; GANGLIOSIDOSIS, GENERALIZED GM1, TYPE III; GM1-GANGLIOSIDOSIS, TYPE III; Beta-galactosidase deficiency; Adult GM1 gangliosidosis. Identifiers: Orphanet 79257, MedGen C0268273, MONDO:0009262, OMIM 230650.
GM1 gangliosidosis type 2. Also called: GANGLIOSIDOSIS, GENERALIZED GM1, JUVENILE TYPE; GANGLIOSIDOSIS, GENERALIZED GM1, TYPE II; GM1-GANGLIOSIDOSIS, TYPE II; Juvenile GM>1< gangliosidosis; Gangliosidosis, Generalized GM1, Type 2. Identifiers: Orphanet 354, Orphanet 79256, MedGen C0268272, MONDO:0009261, OMIM 230600.
Infantile GM1 gangliosidosis. Also called: GM1 gangliosidosis type 1; GM1-gangliosidosis, type I; Gangliosidosis, generalized GM1, infantile form; GLB1 deficiency; Gangliosidosis, Generalized GM1, Type 1. Identifiers: Orphanet 354, Orphanet 79255, MedGen C0268271, MONDO:0009260, OMIM 230500.
Mucopolysaccharidosis, MPS-IV-B (MPS4B). Also called: Mucopolysaccharidosis type 4B; Mucopolysaccharidosis Type IVB (Morquio B Disease); MORQUIO SYNDROME B; Mucopolysaccharidosis type IVB (Morquio); MPS IVB; Mucopolysaccharidosis type IV B. Identifiers: Orphanet 309310, Orphanet 582, MedGen C0086652, MONDO:0009660, OMIM 253010.
GM1 gangliosidosis. Identifiers: Orphanet 354, MedGen C0085131, MONDO:0018149.

Allele frequency attached by ClinVar (database versions not stated): gnomAD exomes below 0.00001.
gnomAD v4.1: 1 of 1,614,014 alleles (0.000062%); highest among the groups gnomAD compares: Non-Finnish European, 0.000085%; no homozygotes.

Submissions (3):

Women's Health and Genetics/Laboratory Corporation of America, LabCorp
Classification: Uncertain significance. Last evaluated: 2025-11-14. Review status: criteria provided, single submitter. Criteria: LabCorp Variant Classification Summary - May 2015. Collection method: clinical testing. Allele origin: germline.
Comment: Variant summary: GLB1 c.971A>G (p.Tyr324Cys) results in a non-conservative amino acid change in the encoded protein sequence. Algorithms developed to predict the effect of missense changes on protein structure and function all suggest that this variant is likely to be disruptive. The variant was absent in 249520 control chromosomes. The available data on variant occurrences in the general population are insufficient to allow any conclusion about variant significance. c.971A>G has been observed in individuals affected with Mucopolysaccharidosis Type IVB (Morquio Syndrome B) (Iwasaki_2006, Internal data). These data do not allow any conclusion about variant significance. At least one publication reports experimental evidence evaluating an impact on protein function, however, does not allow convincing conclusions about the variant effect (Takai_2013). ClinVar contains an entry for this variant (Variation ID: 556658). Based on the evidence outlined above, the variant was classified as uncertain significance.

Labcorp Genetics (formerly Invitae), Labcorp
Classification: Likely pathogenic for Mucopolysaccharidosis, MPS-IV-B; GM1 gangliosidosis. Last evaluated: 2024-09-08. Review status: criteria provided, single submitter. Criteria: Invitae Variant Classification Sherloc (09022015). Collection method: clinical testing. Allele origin: germline.
Comment: This sequence change replaces tyrosine, which is neutral and polar, with cysteine, which is neutral and slightly polar, at codon 324 of the GLB1 protein (p.Tyr324Cys). This variant is not present in population databases (gnomAD no frequency). This missense change has been observed in individual(s) with clinical features of GLB1-related conditions (PMID: 16617000; internal data). In at least one individual the data is consistent with being in trans (on the opposite chromosome) from a pathogenic variant. ClinVar contains an entry for this variant (Variation ID: 556658). Invitae Evidence Modeling of protein sequence and biophysical properties (such as structural, functional, and spatial information, amino acid conservation, physicochemical variation, residue mobility, and thermodynamic stability) indicates that this missense variant is expected to disrupt GLB1 protein function with a positive predictive value of 95%. Experimental studies have shown that this missense change affects GLB1 function (PMID: 23337983). In summary, the currently available evidence indicates that the variant is pathogenic, but additional data are needed to prove that conclusively. Therefore, this variant has been classified as Likely Pathogenic.

Counsyl
Classification: Uncertain significance for Infantile GM1 gangliosidosis; GM1 gangliosidosis type 2; GM1 gangliosidosis type 3; Mucopolysaccharidosis, MPS-IV-B. Last evaluated: 2018-02-13. Review status: no assertion criteria provided. Collection method: clinical testing. Allele origin: unknown. Not counted in ClinVar's aggregate classification.

Literature cited by the submitters: PubMed 23337983 (cited by 3 submitters); PubMed 16617000 (cited by 3 submitters).

NM_000404.4(GLB1):c.971A>G (p.Tyr324Cys)

Gene: GLB1 (galactosidase beta 1; minus strand). Cytogenetic location: 3p22.3.
Variant type: single nucleotide variant.
Coding change: c.971A>G on transcript NM_000404.4 (MANE Select); coding-DNA position 971, A replaced by G.
Protein change: p.Tyr324Cys; replaces tyrosine 324 with cysteine.
Molecular consequence: missense variant.
Genome position (GRCh38, 1-based): chr3:33,046,217, T>C on the plus strand (A>G on the coding strand, the complement: GLB1 is on the minus strand). VCF-style: chr3-33046217-T-C. GRCh37 (hg19) VCF-style: chr3-33087709-T-C.
Other names: c.881A>G, p.Tyr294Cys (NM_001079811.3); c.578A>G, p.Tyr193Cys (NM_001135602.3); c.1115A>G, p.Tyr372Cys (NM_001317040.2); c.971A>G, p.Tyr324Cys (NM_001393580.1); short protein forms Y324C, Y372C, Y294C, Y193C.
Identifiers: ClinVar variation 556658 (VCV000556658.6), dbSNP rs977975596, ClinGen allele CA351999477.